The following is an entry in ClinVar:

ClinVar aggregate classification (germline): Uncertain significance. Review status: criteria provided, multiple submitters, no conflicts (2 of 4 stars). 2 submissions from 2 submitters: Uncertain significance (2). Last evaluated 2026-01-01.

Conditions:
Holoprosencephaly 5 (HPE5). Identifiers: Orphanet 2162, MedGen C1864827, MONDO:0012322, OMIM 609637.

Submissions (2):

Labcorp Genetics (formerly Invitae), Labcorp
Classification: Uncertain significance for Holoprosencephaly 5. Last evaluated: 2026-01-01. Review status: criteria provided, single submitter. Criteria: Invitae Variant Classification Sherloc (09022015). Collection method: clinical testing. Allele origin: germline.
Comment: This variant, c.1505_1516del, results in the deletion of 4 amino acid(s) of the ZIC2 protein (p.Ala502_Gly505del), but otherwise preserves the integrity of the reading frame. The frequency data for this variant in the population databases is considered unreliable, as metrics indicate poor data quality at this position in the gnomAD database. This variant has not been reported in the literature in individuals affected with ZIC2-related conditions. ClinVar contains an entry for this variant (Variation ID: 1474808). Experimental studies and prediction algorithms are not available or were not evaluated, and the functional significance of this variant is currently unknown. In summary, the available evidence is currently insufficient to determine the role of this variant in disease. Therefore, it has been classified as a Variant of Uncertain Significance.

GeneDx
Classification: Uncertain significance. Last evaluated: 2024-08-07. Review status: criteria provided, single submitter. Criteria: GeneDx Variant Classification Process June 2021. Collection method: clinical testing. Allele origin: germline. Affected: yes.
Comment: In-frame deletion of four amino acids in a non-repeat region; In silico analysis indicates that this variant does not alter protein structure/function; Has not been previously published as pathogenic or benign to our knowledge

NM_007129.5(ZIC2):c.1505_1516del (p.Ala502_Gly505del)

Gene: ZIC2 (Zic family zinc finger 2; plus strand). Cytogenetic location: 13q32.3.
Variant type: Deletion.
Coding change: c.1505_1516del on transcript NM_007129.5 (MANE Select); coding-DNA positions 1505 to 1516, 12 bases deleted (CGGGCGGCGGGG).
Protein change: p.Ala502_Gly505del.
Molecular consequence: inframe deletion.
Genome position (GRCh38, 1-based): chr13:99,985,588-99,985,599, CGGGCGGCGGGG deleted; deleting any 12 consecutive bases within chr13:99,985,578-99,985,599 gives the same sequence; the c. name uses the placement nearest the transcript's 3' end. VCF-style (leftmost placement, unchanged base first): chr13-99985577-CGGCGGCGGGGCG-C. GRCh37 (hg19) VCF-style: chr13-100637831-CGGCGGCGGGGCG-C.
Other names: c.1505_1516del (NM_007129.3).
Identifiers: ClinVar variation 1474808 (VCV001474808.9), dbSNP rs777893609, ClinGen allele CA7033003.